The following is an entry in ClinVar:

NM_004519.4(KCNQ3):c.2505G>C (p.Glu835Asp)

Gene: KCNQ3 (potassium voltage-gated channel subfamily Q member 3; minus strand). Cytogenetic location: 8q24.22.
Variant type: single nucleotide variant.
Coding change: c.2505G>C on transcript NM_004519.4 (MANE Select); coding-DNA position 2505, G replaced by C.
Protein change: p.Glu835Asp; replaces glutamic acid 835 with aspartic acid.
Molecular consequence: missense variant.
Genome position (GRCh38, 1-based): chr8:132,129,376, C>G on the plus strand (G>C on the coding strand, the complement: KCNQ3 is on the minus strand). VCF-style: chr8-132129376-C-G. GRCh37 (hg19) VCF-style: chr8-133141623-C-G.
Other names: c.2145G>C, p.Glu715Asp (NM_001204824.2); short protein forms E835D, E715D.
Identifiers: ClinVar variation 538554 (VCV000538554.11), dbSNP rs748320350, ClinGen allele CA4880429.

ClinVar aggregate classification (germline): Conflicting classifications of pathogenicity. Review status: criteria provided, conflicting classifications (1 of 4 stars). 3 submissions from 3 submitters: Uncertain significance (2); Likely benign (1). Last evaluated 2025-04-14.

Conditions:
Inborn genetic diseases. Identifiers: MedGen C0950123, MeSH D030342.
Benign neonatal seizures. Also called: Benign neonatal familial convulsions; Benign familial neonatal epilepsy; Convulsions benign familial neonatal dominant form; Autosomal dominant form of benign neonatal seizures; Benign familial neonatal seizures. Identifiers: Orphanet 1949, MedGen C0220669, MONDO:0016027.

Allele frequency attached by ClinVar (database versions not stated): ExAC 0.00002; gnomAD exomes 0.00002 and 0.00005; gnomAD 0.00003 and 0.00004; TOPMed 0.00003.
gnomAD v4.1: 80 of 1,614,080 alleles (0.005%); highest among the groups gnomAD compares: Non-Finnish European, 0.0064%; no homozygotes.

Submissions (3):

Labcorp Genetics (formerly Invitae), Labcorp
Classification: Uncertain significance for Benign neonatal seizures. Last evaluated: 2025-04-14. Review status: criteria provided, single submitter. Criteria: Invitae Variant Classification Sherloc (09022015). Collection method: clinical testing. Allele origin: germline.
Comment: This sequence change replaces glutamic acid, which is acidic and polar, with aspartic acid, which is acidic and polar, at codon 835 of the KCNQ3 protein (p.Glu835Asp). This variant is present in population databases (rs748320350, gnomAD 0.006%). This variant has not been reported in the literature in individuals affected with KCNQ3-related conditions. ClinVar contains an entry for this variant (Variation ID: 538554). Invitae Evidence Modeling of protein sequence and biophysical properties (such as structural, functional, and spatial information, amino acid conservation, physicochemical variation, residue mobility, and thermodynamic stability) indicates that this missense variant is not expected to disrupt KCNQ3 protein function with a negative predictive value of 95%. In summary, the available evidence is currently insufficient to determine the role of this variant in disease. Therefore, it has been classified as a Variant of Uncertain Significance.

Women's Health and Genetics/Laboratory Corporation of America, LabCorp
Classification: Uncertain significance. Last evaluated: 2024-07-12. Review status: criteria provided, single submitter. Criteria: LabCorp Variant Classification Summary - May 2015. Collection method: clinical testing. Allele origin: germline.
Comment: Variant summary: KCNQ3 c.2505G>C (p.Glu835Asp) results in a conservative amino acid change in the encoded protein sequence. Three of five in-silico tools predict a benign effect of the variant on protein function. The variant allele was found at a frequency of 2e-05 in 251410 control chromosomes, predominantly at a frequency of 4.4e-05 within the Non-Finnish European subpopulation in the gnomAD database. The available data on variant occurrences in the general population are insufficient to allow any conclusion about variant significance. To our knowledge, no occurrence of c.2505G>C in individuals affected with Benign Familial Neonatal Seizures 2 and no experimental evidence demonstrating its impact on protein function have been reported. ClinVar contains an entry for this variant (Variation ID: 538554). Based on the evidence outlined above, the variant was classified as uncertain significance.

Ambry Genetics
Classification: Likely benign for Inborn genetic diseases. Last evaluated: 2022-10-04. Review status: criteria provided, single submitter. Criteria: Ambry Variant Classification Scheme 2023. Collection method: clinical testing. Allele origin: germline.